The following is an entry in ClinVar:

ClinVar aggregate classification (germline): Uncertain significance (1 of 4 stars; one submission).

Conditions:
Cardiovascular phenotype. Identifiers: MedGen CN230736.

Allele frequency attached by ClinVar (database versions not stated): gnomAD exomes below 0.00001; gnomAD 0.00001; TOPMed 0.00001.
gnomAD v4.1: 7 of 1,613,982 alleles (0.00043%); highest among the groups gnomAD compares: Non-Finnish European, 0.00059%; no homozygotes.

Submission:

Ambry Genetics
Classification: Uncertain significance for Cardiovascular phenotype. Last evaluated: 2022-10-27. Review status: criteria provided, single submitter. Criteria: Ambry Variant Classification Scheme 2023. Collection method: clinical testing. Allele origin: germline.
Comment: The p.A850S variant (also known as c.2548G>T), located in coding exon 16 of the DSC2 gene, results from a G to T substitution at nucleotide position 2548. The alanine at codon 850 is replaced by serine, an amino acid with similar properties. This amino acid position is conserved. In addition, this alteration is predicted to be tolerated by in silico analysis. Since supporting evidence is limited at this time, the clinical significance of this alteration remains unclear.

NM_024422.6(DSC2):c.2548G>T (p.Ala850Ser)

Gene: DSC2 (desmocollin 2; minus strand). Cytogenetic location: 18q12.1.
Variant type: single nucleotide variant.
Coding change: c.2548G>T on transcript NM_024422.6 (MANE Select); coding-DNA position 2548, G replaced by T.
Protein change: p.Ala850Ser; replaces alanine 850 with serine.
Molecular consequence: missense variant. On other transcripts: 3 prime UTR variant (1).
Genome position (GRCh38, 1-based): chr18:31,068,173, C>A on the plus strand (G>T on the coding strand, the complement: DSC2 is on the minus strand). VCF-style: chr18-31068173-C-A. GRCh37 (hg19) VCF-style: chr18-28648139-C-A.
Other names: c.2119G>T, p.Ala707Ser (NM_001406506.1); c.*50G>T (NM_001406507.1, NM_004949.5); short protein forms A850S, A707S.
Identifiers: ClinVar variation 1792903 (VCV001792903.2), dbSNP rs868135134, ClinGen allele CA297685437.